The following is an entry in ClinVar:

NM_182961.4(SYNE1):c.24481A>G (p.Asn8161Asp)

Gene: SYNE1 (spectrin repeat containing nuclear envelope protein 1; minus strand). Cytogenetic location: 6q25.2.
Variant type: single nucleotide variant.
Coding change: c.24481A>G on transcript NM_182961.4 (MANE Select); coding-DNA position 24481, A replaced by G.
Protein change: p.Asn8161Asp; replaces asparagine 8161 with aspartic acid.
Molecular consequence: missense variant.
Genome position (GRCh38, 1-based): chr6:152,149,638, T>C on the plus strand (A>G on the coding strand, the complement: SYNE1 is on the minus strand). VCF-style: chr6-152149638-T-C. GRCh37 (hg19) VCF-style: chr6-152470773-T-C.
Other names: p.Asn8090Asp; c.1087A>G, p.Asn363Asp (NM_001347701.2); c.946A>G, p.Asn316Asp (NM_001347702.2); c.24268A>G, p.Asn8090Asp (NM_033071.5); short protein forms N316D, N363D, N8090D, N8161D.
Identifiers: ClinVar variation 1256376 (VCV001256376.11), dbSNP rs36215251, ClinGen allele CA4053164.

ClinVar aggregate classification (germline): Uncertain significance. Review status: criteria provided, multiple submitters, no conflicts (2 of 4 stars). 5 submissions from 5 submitters: Uncertain significance (5). Last evaluated 2025-09-25.

Conditions:
Autosomal recessive ataxia, Beauce type. Also called: Spinocerebellar ataxia, autosomal recessive 8; ATAXIA, RECESSIVE, OF BEAUCE; SYNE1 Deficiency; SYNE1-Related Autosomal Recessive Cerebellar Ataxia. Identifiers: Orphanet 88644, MedGen C1853116, MONDO:0012549, OMIM 610743.
Emery-Dreifuss muscular dystrophy 4, autosomal dominant (EDMD4). Also called: EMERY-DREIFUSS MUSCULAR DYSTROPHY 4 WITH VARIABLE FEATURES. Identifiers: Orphanet 261, MedGen C2751807, MONDO:0013071, OMIM 612998.

gnomAD v4.1: 35 of 1,614,020 alleles (0.0022%); highest among the groups gnomAD compares: Admixed American, 0.012%; no homozygotes.

Submissions (5):

Mayo Clinic Laboratories, Mayo Clinic
Classification: Uncertain significance. Last evaluated: 2025-09-25. Review status: criteria provided, single submitter. Criteria: ACMG Guidelines, 2015. Collection method: clinical testing. Allele origin: germline. Observed: 1 variant allele.
Comment: BP4_moderate

Labcorp Genetics (formerly Invitae), Labcorp
Classification: Uncertain significance for Emery-Dreifuss muscular dystrophy 4, autosomal dominant; Autosomal recessive ataxia, Beauce type. Last evaluated: 2023-03-12. Review status: criteria provided, single submitter. Criteria: Invitae Variant Classification Sherloc (09022015). Collection method: clinical testing. Allele origin: germline.
Comment: In summary, the available evidence is currently insufficient to determine the role of this variant in disease. Therefore, it has been classified as a Variant of Uncertain Significance. An algorithm developed to predict the effect of missense changes on protein structure and function (PolyPhen-2) suggests that this variant¬† is likely to be tolerated. ClinVar contains an entry for this variant (Variation ID: 1256376). This variant has not been reported in the literature in individuals affected with SYNE1-related conditions. This variant is not present in population databases (gnomAD no frequency). This sequence change replaces asparagine, which is neutral and polar, with aspartic acid, which is acidic and polar, at codon 8090 of the SYNE1 protein (p.Asn8090Asp).

Athena Diagnostics
Classification: Uncertain significance. Last evaluated: 2021-04-07. Review status: criteria provided, single submitter. Criteria: Athena Diagnostics criteria. Collection method: clinical testing. Allele origin: unknown.

Revvity Omics, Revvity
Classification: Uncertain significance. Last evaluated: 2020-09-16. Review status: criteria provided, single submitter. Criteria: ACMG Guidelines, 2015. Collection method: clinical testing. Allele origin: germline.

GeneDx
Classification: Uncertain significance. Last evaluated: 2019-07-03. Review status: criteria provided, single submitter. Criteria: GeneDx Variant Classification Process June 2021. Collection method: clinical testing. Allele origin: germline. Affected: yes.
Comment: Not observed in large population cohorts (Lek et al., 2016); In silico analysis, which includes protein predictors and evolutionary conservation, supports a deleterious effect; Has not been previously published as pathogenic or benign to our knowledge